The following is an entry in ClinVar:

NM_006231.4(POLE):c.3614C>G (p.Pro1205Arg)

Gene: POLE (DNA polymerase epsilon, catalytic subunit; minus strand). Cytogenetic location: 12q24.33.
Variant type: single nucleotide variant.
Coding change: c.3614C>G on transcript NM_006231.4 (MANE Select); coding-DNA position 3614, C replaced by G.
Protein change: p.Pro1205Arg; replaces proline 1205 with arginine.
Molecular consequence: missense variant.
Genome position (GRCh38, 1-based): chr12:132,649,858, G>C on the plus strand (C>G on the coding strand, the complement: POLE is on the minus strand). VCF-style: chr12-132649858-G-C. GRCh37 (hg19) VCF-style: chr12-133226444-G-C.
Other names: short protein forms P1205R.
Identifiers: ClinVar variation 1304585 (VCV001304585.6), dbSNP rs772686048, ClinGen allele CA246310625.

ClinVar aggregate classification (germline): Uncertain significance. Review status: criteria provided, multiple submitters, no conflicts (2 of 4 stars). 2 submissions from 2 submitters: Uncertain significance (2). Last evaluated 2025-12-08.

Submissions (2):

Labcorp Genetics (formerly Invitae), Labcorp
Classification: Uncertain significance. Last evaluated: 2025-12-08. Review status: criteria provided, single submitter. Criteria: Invitae Variant Classification Sherloc (09022015). Collection method: clinical testing. Allele origin: germline.
Comment: This sequence change replaces proline, which is neutral and non-polar, with arginine, which is basic and polar, at codon 1205 of the POLE protein (p.Pro1205Arg). This variant is not present in population databases (gnomAD no frequency). This variant has not been reported in the literature in individuals affected with POLE-related conditions. ClinVar contains an entry for this variant (Variation ID: 1304585). Invitae Evidence Modeling of protein sequence and biophysical properties (such as structural, functional, and spatial information, amino acid conservation, physicochemical variation, residue mobility, and thermodynamic stability) indicates that this missense variant is not expected to disrupt POLE protein function with a negative predictive value of 80%. In summary, the available evidence is currently insufficient to determine the role of this variant in disease. Therefore, it has been classified as a Variant of Uncertain Significance.

GeneDx
Classification: Uncertain significance. Last evaluated: 2019-06-10. Review status: criteria provided, single submitter. Criteria: GeneDx Variant Classification Process June 2021. Collection method: clinical testing. Allele origin: germline. Affected: yes.
Comment: Not observed in large population cohorts (Lek et al., 2016); Has not been previously published as pathogenic or benign to our knowledge